The following is an entry in ClinVar:

NM_000051.4(ATM):c.7851C>T (p.Val2617=)

Genes: ATM (ATM serine/threonine kinase; plus strand), C11orf65 (chromosome 11 open reading frame 65; minus strand). Cytogenetic location: 11q22.3.
Variant type: single nucleotide variant.
Coding change: c.7851C>T on transcript NM_000051.4 (MANE Select); coding-DNA position 7851, C replaced by T.
Protein change: p.Val2617=; no amino-acid change (valine 2617 retained).
Molecular consequence: synonymous variant. On other transcripts: intron variant (2).
Genome position (GRCh38, 1-based): chr11:108,332,824, C>T. VCF-style: chr11-108332824-C-T. GRCh37 (hg19) VCF-style: chr11-108203551-C-T.
Other names: c.*38+2396G>A (NM_001351110.2); c.7851C>T, p.Val2617= (NM_001351834.2); c.641-23753G>A (NM_001330368.2).
Identifiers: ClinVar variation 3253854 (VCV003253854.1), dbSNP rs2136566305.

ClinVar aggregate classification (germline): Benign (1 of 4 stars; one submission).

Conditions:
Familial cancer of breast. Also called: hereditary breast carcinoma; BREAST CANCER, FAMILIAL; Hereditary breast cancer. Identifiers: Orphanet 227535, MedGen C0346153, MONDO:0016419, OMIM 114480. Disease mechanism: loss of function.

Submission:

Myriad Genetics, Inc.
Classification: Benign for Familial cancer of breast. Last evaluated: 2024-06-17. Review status: criteria provided, single submitter. Criteria: Myriad Autosomal Dominant, Autosomal Recessive and X-Linked Classification Criteria (2023). Collection method: clinical testing. Allele origin: unknown.
Comment: This variant is considered benign. This variant is a silent/synonymous amino acid change and it is not expected to impact splicing.